The following is an entry in ClinVar:

ClinVar aggregate classification (germline): Benign. Review status: criteria provided, multiple submitters, no conflicts (2 of 4 stars). 4 submissions from 4 submitters: Benign (3). 1 of the submissions does not count toward it. Last evaluated 2026-02-03.

Conditions:
Leukoencephalopathy, acute reversible, with increased urinary alpha-ketoglutarate. Identifiers: Orphanet 615964, MedGen C5193068, MONDO:0032716, OMIM 618384.
SLC13A3-related disorder. Also called: SLC13A3-related condition.

Allele frequency attached by ClinVar (database versions not stated): 1000 Genomes Project 30x 0.55325; 1000 Genomes Project 0.55391; gnomAD 0.58688 and 0.58839; TOPMed 0.57600; ESP Exome Variant Server 0.58873; gnomAD exomes 0.62932.
gnomAD v4.1: 1,002,091 of 1,603,530 alleles (62%); highest among the groups gnomAD compares: Middle Eastern, 65%; 315,139 homozygotes.

Submissions (4):

Labcorp Genetics (formerly Invitae), Labcorp
Classification: Benign. Last evaluated: 2026-02-03. Review status: criteria provided, single submitter. Criteria: Invitae Variant Classification Sherloc (09022015). Collection method: clinical testing. Allele origin: germline.

Genome-Nilou Lab
Classification: Benign for Leukoencephalopathy, acute reversible, with increased urinary alpha-ketoglutarate. Last evaluated: 2021-07-15. Review status: criteria provided, single submitter. Criteria: ACMG Guidelines, 2015. Collection method: clinical testing. Allele origin: germline. Affected: no.

Breakthrough Genomics
Classification: Benign. Review status: criteria provided, single submitter. Criteria: ACMG Guidelines, 2015. Collection method: not provided. Allele origin: germline. Inheritance: Autosomal recessive inheritance. Affected: yes.

PreventionGenetics, part of Exact Sciences
Classification: Benign for SLC13A3-related condition. Last evaluated: 2019-10-30. Review status: no assertion criteria provided. Collection method: clinical testing. Allele origin: germline. Not counted in ClinVar's aggregate classification.
Comment: This variant is classified as benign based on ACMG/AMP sequence variant interpretation guidelines (Richards et al. 2015 PMID: 25741868, with internal and published modifications).

NM_022829.6(SLC13A3):c.1278C>T (p.Pro426=)

Gene: SLC13A3 (solute carrier family 13 member 3; minus strand). Cytogenetic location: 20q13.12.
Variant type: single nucleotide variant.
Coding change: c.1278C>T on transcript NM_022829.6 (MANE Select); coding-DNA position 1278, C replaced by T.
Protein change: p.Pro426=; no amino-acid change (proline 426 retained).
Molecular consequence: synonymous variant.
Genome position (GRCh38, 1-based): chr20:46,575,627, G>A on the plus strand (C>T on the coding strand, the complement: SLC13A3 is on the minus strand). VCF-style: chr20-46575627-G-A. GRCh37 (hg19) VCF-style: chr20-45204266-G-A.
Other names: c.1137C>T, p.Pro379= (NM_001011554.3); c.1128C>T, p.Pro376= (NM_001193339.2); c.1032C>T, p.Pro344= (NM_001193340.2); c.984C>T, p.Pro328= (NM_001193342.2); c.1278C>T (NM_022829.5).
Identifiers: ClinVar variation 1168840 (VCV001168840.14), dbSNP rs1880898, ClinGen allele CA9891341.